The following is an entry in ClinVar:

ClinVar aggregate classification (germline): Uncertain significance (1 of 4 stars; one submission).

Allele frequency attached by ClinVar (database versions not stated): TOPMed 0.00003; gnomAD 0.00008; ExAC 0.00010; 1000 Genomes Project 0.00020; 1000 Genomes Project 30x 0.00047.

Submission:

Labcorp Genetics (formerly Invitae), Labcorp
Classification: Uncertain significance. Last evaluated: 2022-10-17. Review status: criteria provided, single submitter. Criteria: Invitae Variant Classification Sherloc (09022015). Collection method: clinical testing. Allele origin: germline.
Comment: This sequence change replaces arginine, which is basic and polar, with cysteine, which is neutral and slightly polar, at codon 2155 of the LOXHD1 protein (p.Arg2155Cys). This variant is present in population databases (rs548517841, gnomAD 0.04%). This variant has not been reported in the literature in individuals affected with LOXHD1-related conditions. Algorithms developed to predict the effect of missense changes on protein structure and function are either unavailable or do not agree on the potential impact of this missense change (SIFT: "Deleterious"; PolyPhen-2: "Possibly Damaging"; Align-GVGD: "Class C0"). In summary, the available evidence is currently insufficient to determine the role of this variant in disease. Therefore, it has been classified as a Variant of Uncertain Significance.

NM_001384474.1(LOXHD1):c.6649C>T (p.Arg2217Cys)

Gene: LOXHD1 (lipoxygenase homology PLAT domains 1; minus strand). Cytogenetic location: 18q21.1.
Variant type: single nucleotide variant.
Coding change: c.6649C>T on transcript NM_001384474.1 (MANE Select); coding-DNA position 6649, C replaced by T.
Protein change: p.Arg2217Cys; replaces arginine 2217 with cysteine.
Molecular consequence: missense variant. On other transcripts: intron variant (1).
Genome position (GRCh38, 1-based): chr18:46,477,645, G>A on the plus strand (C>T on the coding strand, the complement: LOXHD1 is on the minus strand). VCF-style: chr18-46477645-G-A. GRCh37 (hg19) VCF-style: chr18-44057608-G-A.
Other names: c.1366C>T, p.Arg456Cys (NM_001145473.3, NM_001173129.2); c.3028C>T, p.Arg1010Cys (NM_001308013.2); c.6463C>T, p.Arg2155Cys (NM_144612.7); c.3307+9C>T (NM_001145472.3); short protein forms R2155C, R1010C, R2217C, R456C.
Identifiers: ClinVar variation 2077442 (VCV002077442.1), dbSNP rs548517841, ClinGen allele CA8952025.